The following is an entry in ClinVar:

ClinVar aggregate classification (germline): Likely benign (1 of 4 stars; one submission).

Allele frequency attached by ClinVar (database versions not stated): ExAC 0.00016; gnomAD 0.00020; ESP Exome Variant Server 0.00023; gnomAD exomes 0.00036.
gnomAD v4.1: 546 of 1,614,112 alleles (0.034%); highest among the groups gnomAD compares: Non-Finnish European, 0.041%; no homozygotes.

Submission:

CeGaT Center for Human Genetics Tuebingen
Classification: Likely benign. Last evaluated: 2024-01-01. Review status: criteria provided, single submitter. Criteria: CeGaT Center For Human Genetics Tuebingen Variant Classification Criteria Version 2. Collection method: clinical testing. Allele origin: germline. Affected: yes. Observed: 3 variant alleles.
Comment: KMT5B: BP4, BP7

NM_017635.5(KMT5B):c.1506C>T (p.Ala502=)

Gene: KMT5B (lysine methyltransferase 5B; minus strand). Cytogenetic location: 11q13.2.
Variant type: single nucleotide variant.
Coding change: c.1506C>T on transcript NM_017635.5 (MANE Select); coding-DNA position 1506, C replaced by T.
Protein change: p.Ala502=; no amino-acid change (alanine 502 retained).
Molecular consequence: synonymous variant.
Genome position (GRCh38, 1-based): chr11:68,158,840, G>A on the plus strand (C>T on the coding strand, the complement: KMT5B is on the minus strand). VCF-style: chr11-68158840-G-A. GRCh37 (hg19) VCF-style: chr11-67926307-G-A.
Other names: c.990C>T, p.Ala330= (NM_001300907.1, NM_001369428.1, NM_001369429.1 and 4 more transcripts); c.786C>T, p.Ala262= (NM_001300908.2); c.1506C>T, p.Ala502= (NM_001369426.1).
Identifiers: ClinVar variation 2642035 (VCV002642035.24), dbSNP rs145782213, ClinGen allele CA6148181.
Genomic context (GRCh38, chr11:68,158,840, plus strand): 5'-CACAGGATTCTGTCTGTGTTCTCTCGCCGCGTGTCTAGTCAAGCACCCGCTGGCAACTGC[G>A]GCTTGGGCTGGTCCCTCTGGCTCCTTATCTTTTTTAATGGGCAAATTTTTATACAGAACT-3'
Protein context (NP_060105.3, residues 492-512): KDKEPEGPAQ[Ala502=]AVASGCLTRH